The following is an entry in ClinVar:

NM_000038.6(APC):c.7018A>C (p.Asn2340His)

Gene: APC (APC regulator of Wnt signaling pathway; plus strand). Cytogenetic location: 5q22.2.
Variant type: single nucleotide variant.
Coding change: c.7018A>C on transcript NM_000038.6 (MANE Select); coding-DNA position 7018, A replaced by C.
Protein change: p.Asn2340His; replaces asparagine 2340 with histidine.
Molecular consequence: missense variant.
Genome position (GRCh38, 1-based): chr5:112,842,612, A>C. VCF-style: chr5-112842612-A-C. GRCh37 (hg19) VCF-style: chr5-112178309-A-C.
Other names: c.7018A>C, p.Asn2340His (NM_001127510.3, NM_001354895.2); c.6964A>C, p.Asn2322His (NM_001127511.3); c.7072A>C, p.Asn2358His (NM_001354896.2); c.7048A>C, p.Asn2350His (NM_001354897.2); c.6943A>C, p.Asn2315His (NM_001354898.2); c.6934A>C, p.Asn2312His (NM_001354899.2); c.6895A>C, p.Asn2299His (NM_001354900.2); c.6841A>C, p.Asn2281His (NM_001354901.2); and 5 more; short protein forms N2322H, N2340H, N2214H, N2312H, N2180H, N2281H, N2299H, N2057H.
Identifiers: ClinVar variation 418637 (VCV000418637.31), dbSNP rs748940586, ClinGen allele CA046653.
Genomic context (GRCh38, chr5:112,842,612, plus strand): 5'-CCTATACAGTCTCCTGGCCGAAACTCAATTTCCCCTGGTAGAAATGGAATAAGTCCTCCT[A>C]ACAAATTATCTCAACTTCCAAGGACATCATCCCCTAGTACTGCTTCAACTAAGTCCTCAG-3'
Protein context (NP_000029.2, residues 2330-2350): SPGRNGISPP[Asn2340His]KLSQLPRTSS

ClinVar aggregate classification (germline): Uncertain significance. Review status: criteria provided, multiple submitters, no conflicts (2 of 4 stars). 6 submissions from 6 submitters: Uncertain significance (6). Last evaluated 2025-12-04.

Conditions:
Classic or attenuated familial adenomatous polyposis. Identifiers: MedGen CN372698, MONDO:0021057.
Attenuated familial adenomatous polyposis (AFAP). Also called: Attenuated FAP. Identifiers: Orphanet 220460, MedGen C2674616, MONDO:0016362.
Familial adenomatous polyposis 1 (FAP1). Also called: FAMILIAL ADENOMATOUS POLYPOSIS 1, ATTENUATED; POLYPOSIS, ADENOMATOUS INTESTINAL. Identifiers: MedGen C2713442, MONDO:0021056, OMIM 175100. Disease mechanism: loss of function.
Gastric adenocarcinoma and proximal polyposis of the stomach (GAPPS). Also called: Polyposis, gastric, Dos Santos and de Magalhaes 1980; POLYPOSIS, GASTRIC; Gastric Adenocarcinoma and Proximal Polyposis of the Stomach (GAPPS). Identifiers: Orphanet 314022, MedGen C4749917, MONDO:0017790, OMIM 619182.
Hereditary cancer-predisposing syndrome. Also called: Hereditary Cancer Syndrome; Tumor predisposition; Hereditary neoplastic syndrome; Neoplastic Syndromes, Hereditary. Identifiers: Orphanet 140162, MedGen C0027672, MeSH D009386, MONDO:0015356.

Allele frequency attached by ClinVar (database versions not stated): ExAC 0.00001; TOPMed 0.00001; gnomAD 0.00002; gnomAD exomes 0.00002 and 0.00003.
gnomAD v4.1: 53 of 1,613,722 alleles (0.0033%); highest among the groups gnomAD compares: Non-Finnish European, 0.0044%; no homozygotes.

Submissions (6):

Ambry Genetics
Classification: Uncertain significance for Hereditary cancer-predisposing syndrome. Last evaluated: 2025-12-04. Review status: criteria provided, single submitter. Criteria: Ambry Variant Classification Scheme 2023. Collection method: clinical testing. Allele origin: germline.
Comment: The p.N2340H variant (also known as c.7018A>C), located in coding exon 15 of the APC gene, results from an A to C substitution at nucleotide position 7018. The asparagine at codon 2340 is replaced by histidine, an amino acid with similar properties. This amino acid position is well conserved in available vertebrate species. In addition, in silico predictors for this gene do not accurately predict pathogenicity. Since supporting evidence is limited at this time, the clinical significance of this alteration remains unclear.

Labcorp Genetics (formerly Invitae), Labcorp
Classification: Uncertain significance for Familial adenomatous polyposis 1. Last evaluated: 2025-11-11. Review status: criteria provided, single submitter. Criteria: Invitae Variant Classification Sherloc (09022015). Collection method: clinical testing. Allele origin: germline.
Comment: This sequence change replaces asparagine, which is neutral and polar, with histidine, which is basic and polar, at codon 2340 of the APC protein (p.Asn2340His). This variant is present in population databases (rs748940586, gnomAD 0.004%). This missense change has been observed in individual(s) with colorectal cancer (PMID: 25559809). ClinVar contains an entry for this variant (Variation ID: 418637). Invitae Evidence Modeling of protein sequence and biophysical properties (such as structural, functional, and spatial information, amino acid conservation, physicochemical variation, residue mobility, and thermodynamic stability) indicates that this missense variant is not expected to disrupt APC protein function with a negative predictive value of 95%. In summary, the available evidence is currently insufficient to determine the role of this variant in disease. Therefore, it has been classified as a Variant of Uncertain Significance.

GeneDx
Classification: Uncertain significance. Last evaluated: 2024-12-30. Review status: criteria provided, single submitter. Criteria: GeneDx Variant Classification Process June 2021. Collection method: clinical testing. Allele origin: germline. Affected: yes.
Comment: Not observed at significant frequency in large population cohorts (gnomAD); In silico analysis indicates that this missense variant does not alter protein structure/function; This variant is associated with the following publications: (PMID: 32992489, 18199528, 25559809)

All of Us Research Program, National Institutes of Health
Classification: Uncertain significance for Classic or attenuated familial adenomatous polyposis. Last evaluated: 2024-08-06. Review status: criteria provided, single submitter. Criteria: ACMG Guidelines, 2015. Collection method: clinical testing. Allele origin: germline. Inheritance: Autosomal dominant inheritance. Observed: 4 variant alleles, 4 heterozygotes.
Comment: This missense variant replaces asparagine with histidine at codon 2340 of the APC protein. Computational prediction tool suggests that this variant may not impact protein structure and function (internally defined REVEL score threshold <= 0.5, PMID: 27666373). Splice site prediction tools suggest that this variant may not impact RNA splicing. To our knowledge, functional studies have not been performed for this variant. This variant has been reported in individuals affected with colon cancer (PMID: 25559809). This variant has been identified in 4/250218 chromosomes in the general population by the Genome Aggregation Database (gnomAD). The available evidence is insufficient to determine the role of this variant in disease conclusively. Therefore, this variant is classified as a Variant of Uncertain Significance.

This study involves interpretation of variants in research participants for the purpose of population health screening. Participant phenotype was not available at the time of variant classification. Additional details can be found in publication PMID: 35346344, PMCID: PMC8962531

Baylor Genetics
Classification: Uncertain significance for Familial adenomatous polyposis 1. Last evaluated: 2024-02-22. Review status: criteria provided, single submitter. Criteria: ACMG Guidelines, 2015. Collection method: clinical testing. Allele origin: unknown.

Color Diagnostics, LLC DBA Color Health
Classification: Uncertain significance for Hereditary cancer-predisposing syndrome. Last evaluated: 2024-01-31. Review status: criteria provided, single submitter. Criteria: ACMG Guidelines, 2015. Collection method: clinical testing. Allele origin: germline.
Comment: This missense variant replaces asparagine with histidine at codon 2340 of the APC protein. Computational prediction tool suggests that this variant may not impact protein structure and function (internally defined REVEL score threshold <= 0.5, PMID: 27666373). To our knowledge, functional studies have not been performed for this variant. This variant has been reported in an individual affected with colon cancer (PMID: 25559809). This variant has been identified in 4/250218 chromosomes in the general population by the Genome Aggregation Database (gnomAD). The available evidence is insufficient to determine the role of this variant in disease conclusively. Therefore, this variant is classified as a Variant of Uncertain Significance.

Literature cited by the submitters: PubMed 25559809 (cited by 3 submitters).